The following is an entry in ClinVar:

NM_015909.4(NBAS):c.2839C>T (p.Pro947Ser)

Gene: NBAS (NBAS subunit of NRZ tethering complex; minus strand). Cytogenetic location: 2p24.3.
Variant type: single nucleotide variant.
Coding change: c.2839C>T on transcript NM_015909.4 (MANE Select); coding-DNA position 2839, C replaced by T.
Protein change: p.Pro947Ser; replaces proline 947 with serine.
Molecular consequence: missense variant. On other transcripts: non-coding transcript variant (1).
Genome position (GRCh38, 1-based): chr2:15,415,644, G>A on the plus strand (C>T on the coding strand, the complement: NBAS is on the minus strand). VCF-style: chr2-15415644-G-A. GRCh37 (hg19) VCF-style: chr2-15555768-G-A.
Other names: c.2839C>T (NM_015909.3); short protein forms P947S.
Identifiers: ClinVar variation 1366125 (VCV001366125.9), dbSNP rs758584777, ClinGen allele CA1536239.
Genomic context (GRCh38, chr2:15,415,644, plus strand): 5'-TTAAGTCCCCTTTAGCTAAAGTTACTAAATATTCTTTTAATAGCTCATTAGCCACACCAG[G>A]CGACTGTTTCTCACAACGATGAAGAAAGGGAACCATCCACTGGTAGGCACTTGTCACATA-3'
Protein context (NP_056993.2, residues 937-957): PFLHRCEKQS[Pro947Ser]GVANELLKEY

ClinVar aggregate classification (germline): Likely benign. Review status: criteria provided, single submitter (1 of 4 stars). 2 submissions from 2 submitters: Likely benign (1). 1 of the submissions does not count toward it. Last evaluated 2025-11-25.

Conditions:
NBAS-related disorder. Also called: NBAS-related condition.

Allele frequency attached by ClinVar (database versions not stated): TOPMed below 0.00001; gnomAD 0.00001; gnomAD exomes 0.00001 and 0.00004; ExAC 0.00002.
gnomAD v4.1: 12 of 1,613,976 alleles (0.00074%); highest among the groups gnomAD compares: Admixed American, 0.018%; no homozygotes.

Submissions (2):

Labcorp Genetics (formerly Invitae), Labcorp
Classification: Likely benign. Last evaluated: 2025-11-25. Review status: criteria provided, single submitter. Criteria: Invitae Variant Classification Sherloc (09022015). Collection method: clinical testing. Allele origin: germline.

PreventionGenetics, part of Exact Sciences
Classification: Uncertain significance for NBAS-related condition. Last evaluated: 2024-08-13. Review status: no assertion criteria provided. Collection method: clinical testing. Allele origin: germline. Not counted in ClinVar's aggregate classification.
Comment: The NBAS c.2839C>T variant is predicted to result in the amino acid substitution p.Pro947Ser. To our knowledge, this variant has not been reported in the literature. This variant is reported in 0.029% of alleles in individuals of Latino descent in gnomAD. At this time, the clinical significance of this variant is uncertain due to the absence of conclusive functional and genetic evidence.